The following is an entry in ClinVar:

ClinVar aggregate classification (germline): Pathogenic (1 of 4 stars; one submission).

Conditions:
Familial thoracic aortic aneurysm and aortic dissection (TAAD). Also called: Thoracic aortic aneurysms and dissections. Identifiers: Orphanet 91387, MedGen C4707243, MONDO:0019625.
Marfan syndrome (MFS). Also called: MARFAN SYNDROME, TYPE I; Marfan syndrome type 1; Marfan's syndrome; Marfan syndrome, classic; FBN1-Related Marfan Syndrome. Identifiers: Orphanet 284963, Orphanet 558, MedGen C0024796, MONDO:0007947, OMIM 154700.

Submission:

Labcorp Genetics (formerly Invitae), Labcorp
Classification: Pathogenic for Marfan syndrome; Familial thoracic aortic aneurysm and aortic dissection. Last evaluated: 2022-02-21. Review status: criteria provided, single submitter. Criteria: Invitae Variant Classification Sherloc (09022015). Collection method: clinical testing. Allele origin: germline.
Comment: For these reasons, this variant has been classified as Pathogenic. This variant has not been reported in the literature in individuals affected with FBN1-related conditions. This variant is not present in population databases (gnomAD no frequency). This sequence change creates a premature translational stop signal (p.Ala2614Leufs*68) in the FBN1 gene. It is expected to result in an absent or disrupted protein product. Loss-of-function variants in FBN1 are known to be pathogenic (PMID: 17657824, 19293843).

Literature cited by the submitters: PubMed 17657824; PubMed 19293843.

NM_000138.5(FBN1):c.7840del (p.Ala2614fs)

Gene: FBN1 (fibrillin 1; minus strand). Cytogenetic location: 15q21.1.
Variant type: Deletion.
Coding change: c.7840del on transcript NM_000138.5 (MANE Select); coding-DNA position 7840, one base deleted (G; older notation c.7840delG).
Protein change: p.Ala2614fs; shifts the reading frame from alanine 2614.
Molecular consequence: frameshift variant.
Genome position (GRCh38, 1-based): chr15:48,415,747, C deleted on the plus strand (G on the coding strand, the reverse complement: FBN1 is on the minus strand). VCF-style (leftmost placement, unchanged base first): chr15-48415746-GC-G. GRCh37 (hg19) VCF-style: chr15-48707943-GC-G.
Other names: c.7840delG, p.Ala2614Leufs (NM_001406716.1); short protein forms A2614fs.
Identifiers: ClinVar variation 2100899 (VCV002100899.4), dbSNP rs2505384396, ClinGen allele CA2580089632.